The following is an entry in ClinVar:

ClinVar aggregate classification (germline): Uncertain significance (1 of 4 stars; one submission).

Conditions:
PLXNA2-related disorder. Also called: PLXNA2-related condition.

Allele frequency attached by ClinVar (database versions not stated): ExAC 0.00004; TOPMed 0.00008; gnomAD 0.00011; gnomAD exomes 0.00003.
gnomAD v4.1: 60 of 1,612,872 alleles (0.0037%); highest among the groups gnomAD compares: Non-Finnish European, 0.0047%; no homozygotes.

Submission:

PreventionGenetics, part of Exact Sciences
Classification: Uncertain significance for PLXNA2-related condition. Last evaluated: 2025-08-29. Review status: criteria provided, single submitter. Criteria: ACMG Guidelines, 2015. Collection method: clinical testing. Allele origin: germline.
Comment: The PLXNA2 c.2983G>A variant is predicted to result in the amino acid substitution p.Glu995Lys. To our knowledge, this variant has not been reported in the literature. This variant is reported in 0.013% of alleles in individuals of European (Non-Finnish) descent in gnomAD. At this time, the clinical significance of this variant is uncertain due to the absence of conclusive functional and genetic evidence.

NM_025179.4(PLXNA2):c.2983G>A (p.Glu995Lys)

Gene: PLXNA2 (plexin A2; minus strand). Cytogenetic location: 1q32.2.
Variant type: single nucleotide variant.
Coding change: c.2983G>A on transcript NM_025179.4 (MANE Select); coding-DNA position 2983, G replaced by A.
Protein change: p.Glu995Lys; replaces glutamic acid 995 with lysine.
Molecular consequence: missense variant.
Genome position (GRCh38, 1-based): chr1:208,052,337, C>T on the plus strand (G>A on the coding strand, the complement: PLXNA2 is on the minus strand). VCF-style: chr1-208052337-C-T. GRCh37 (hg19) VCF-style: chr1-208225682-C-T.
Other names: short protein forms E995K.
Identifiers: ClinVar variation 3032902 (VCV003032902.3), dbSNP rs766742913, ClinGen allele CA1373337.